The following is an entry in ClinVar:

NM_000419.5(ITGA2B):c.2421G>A (p.Trp807Ter)

Gene: ITGA2B (integrin subunit alpha 2b; minus strand). Cytogenetic location: 17q21.31.
Variant type: single nucleotide variant.
Coding change: c.2421G>A on transcript NM_000419.5 (MANE Select); coding-DNA position 2421, G replaced by A.
Protein change: p.Trp807Ter; replaces tryptophan 807 with a stop codon.
Molecular consequence: nonsense.
Genome position (GRCh38, 1-based): chr17:44,376,112, C>T on the plus strand (G>A on the coding strand, the complement: ITGA2B is on the minus strand). VCF-style: chr17-44376112-C-T. GRCh37 (hg19) VCF-style: chr17-42453480-C-T.
Other names: NM_000419.5:c.2421G>A; short protein forms W807*.
Identifiers: ClinVar variation 1330347 (VCV001330347.1), dbSNP rs2143439415, ClinGen allele CA399796017.
Genomic context (GRCh38, chr17:44,376,112, plus strand): 5'-CACCCCAGCCAGGGACGCGAGGCTCCCCAATACCTCATAGGTGTGCTCCACTTTGGGTCC[C>T]CAGCTGTCCAAGCTGTTCTGCTCCCTCTCACCTTCTTCTGCTGCCACCACCAGGGAGGCT-3'

ClinVar aggregate classification (germline): Pathogenic (3 of 4 stars; one submission).

Conditions:
Glanzmann thrombasthenia. Also called: THROMBASTHENIA OF GLANZMANN AND NAEGELI; BLEEDING DISORDER, PLATELET-TYPE, 2; Thrombasthenia; PLATELET GLYCOPROTEIN IIb-IIIa DEFICIENCY; Glanzmann's thrombasthenia. Identifiers: Orphanet 849, MedGen C0040015, MONDO:0100326.

Submission:

ClinGen Platelet Disorders Variant Curation Expert Panel, ClinGen
Classification: Pathogenic for Glanzmann thrombasthenia. Last evaluated: 2021-09-03. Review status: reviewed by expert panel. Criteria: ClinGen Platelet ACMG Specifications v2. Collection method: curation. Allele origin: germline. Inheritance: Autosomal recessive inheritance.
Comment: NM_000419.5(ITGA2B):c.2421G>A (p.Trp807Ter) is a nonsense variant located on exon 24 which is predicted to result in NMD. It is absent from all large population cohorts (gnomAD). This variant has been reported to occur in homozygous state in one proband who meets the diagnostic criteria for the GT phenotype (PMID: 25728920). This variant meets GT specific criteria for PVS1, PP4_moderate, PM2_supporting, and PM3_supporting and is therefore classified as Pathogenic.